The following is an entry in ClinVar:

ClinVar aggregate classification (germline): Likely benign. Review status: criteria provided, multiple submitters, no conflicts (2 of 4 stars). 3 submissions from 3 submitters: Likely benign (3). Last evaluated 2025-07-22.

Conditions:
Lethal congenital glycogen storage disease of heart. Also called: GLYCOGEN STORAGE DISEASE OF HEART; PHOSPHORYLASE KINASE DEFICIENCY OF HEART. Identifiers: Orphanet 439854, MedGen C1849813, MONDO:0009867, OMIM 261740.
Cardiomyopathy (CMYO). Also called: Cardiomyopathies. Identifiers: Orphanet 167848, MedGen C0878544, MONDO:0004994, HP:0001638. Inheritance: Various modes of inheritance.
Hypertrophic cardiomyopathy. Also called: HYPERTROPHIC MYOCARDIOPATHY. Identifiers: Orphanet 217569, MedGen C0007194, MeSH D002312, MONDO:0005045, HP:0001639.

Allele frequency attached by ClinVar (database versions not stated): gnomAD exomes below 0.00001.
gnomAD v4.1: 2 of 1,379,692 alleles (0.00014%); highest among the groups gnomAD compares: Non-Finnish European, 0.0002%; no homozygotes.

Submissions (3):

Labcorp Genetics (formerly Invitae), Labcorp
Classification: Likely benign for Lethal congenital glycogen storage disease of heart. Last evaluated: 2025-07-22. Review status: criteria provided, single submitter. Criteria: Invitae Variant Classification Sherloc (09022015). Collection method: clinical testing. Allele origin: germline.

All of Us Research Program, National Institutes of Health
Classification: Likely benign for Hypertrophic cardiomyopathy. Last evaluated: 2023-05-16. Review status: criteria provided, single submitter. Criteria: ACMG Guidelines, 2015. Collection method: clinical testing. Allele origin: germline. Inheritance: Autosomal dominant inheritance. Observed: 1 variant allele, 1 heterozygote.
Comment: This study involves interpretation of variants in research participants for the purpose of population health screening. Participant phenotype was not available at the time of variant classification. Additional details can be found in publication PMID: 35346344, PMCID: PMC8962531

Color Diagnostics, LLC DBA Color Health
Classification: Likely benign for Cardiomyopathy. Last evaluated: 2019-01-11. Review status: criteria provided, single submitter. Criteria: ACMG Guidelines, 2015. Collection method: clinical testing. Allele origin: germline.

NM_016203.4(PRKAG2):c.1413T>C (p.Asp471=)

Gene: PRKAG2 (protein kinase AMP-activated non-catalytic subunit gamma 2; minus strand). Cytogenetic location: 7q36.1.
Variant type: single nucleotide variant.
Coding change: c.1413T>C on transcript NM_016203.4 (MANE Select); coding-DNA position 1413, T replaced by C.
Protein change: p.Asp471=; no amino-acid change (aspartic acid 471 retained).
Molecular consequence: synonymous variant.
Genome position (GRCh38, 1-based): chr7:151,565,370, A>G on the plus strand (T>C on the coding strand, the complement: PRKAG2 is on the minus strand). VCF-style: chr7-151565370-A-G. GRCh37 (hg19) VCF-style: chr7-151262456-A-G.
Other names: c.1281T>C, p.Asp427= (NM_001040633.2); c.1038T>C, p.Asp346= (NM_001304527.2); c.690T>C, p.Asp230= (NM_001304531.2, NM_024429.2); c.1041T>C, p.Asp347= (NM_001363698.2).
Identifiers: ClinVar variation 918822 (VCV000918822.4), dbSNP rs1198002481, ClinGen allele CA458665207.